The following is an entry in ClinVar:

ClinVar aggregate classification (germline): Uncertain significance (1 of 4 stars; one submission).

Conditions:
Inborn genetic diseases. Identifiers: MedGen C0950123, MeSH D030342.

Submission:

Ambry Genetics
Classification: Uncertain significance for Inborn genetic diseases. Last evaluated: 2025-12-16. Review status: criteria provided, single submitter. Criteria: Ambry Variant Classification Scheme 2023. Collection method: clinical testing. Allele origin: germline.
Comment: The c.4289T>C (p.L1430S) alteration is located in exon 27 (coding exon 27) of the CLTC gene. This alteration results from a T to C substitution at nucleotide position 4289, causing the leucine (L) at amino acid position 1430 to be replaced by a serine (S). This variant was not reported in population-based cohorts in the Genome Aggregation Database (gnomAD). This amino acid position is highly conserved in available vertebrate species. This missense alteration is located in a region that has a low rate of benign missense variation (Lek, 2016; Firth, 2009). The in silico prediction for this alteration is inconclusive. Based on insufficient or conflicting evidence, the clinical significance of this alteration remains unclear.

NM_004859.4(CLTC):c.4289T>C (p.Leu1430Ser)

Genes: CLTC (clathrin heavy chain; plus strand), LOC126862609 (CDK7 strongly-dependent group 2 enhancer GRCh37_chr17:57760547-57761746; plus strand). Cytogenetic location: 17q23.1.
Variant type: single nucleotide variant.
Coding change: c.4289T>C on transcript NM_004859.4 (MANE Select); coding-DNA position 4289, T replaced by C.
Protein change: p.Leu1430Ser; replaces leucine 1430 with serine.
Molecular consequence: missense variant.
Genome position (GRCh38, 1-based): chr17:59,683,722, T>C. VCF-style: chr17-59683722-T-C. GRCh37 (hg19) VCF-style: chr17-57761083-T-C.
Other names: c.4301T>C, p.Leu1434Ser (NM_001288653.2); short protein forms L1434S, L1430S.
Identifiers: ClinVar variation 4836839 (VCV004836839.1).